The following is an entry in ClinVar:

ClinVar aggregate classification (germline): Uncertain significance (1 of 4 stars; one submission).

Conditions:
Inborn genetic diseases. Identifiers: MedGen C0950123, MeSH D030342.

Submission:

Ambry Genetics
Classification: Uncertain significance for Inborn genetic diseases. Last evaluated: 2021-09-27. Review status: criteria provided, single submitter. Criteria: Ambry Variant Classification Scheme 2023. Collection method: clinical testing. Allele origin: germline.
Comment: The c.406-1G>A intronic alteration consists of a G to A substitution one nucleotide before exon 4 of the KDM5B gene. Alterations that disrupt the canonical splice acceptor site are typically deleterious in nature (Richards, 2015). Based on insufficient or conflicting evidence, the clinical significance of this alteration remains unclear.

NM_006618.5(KDM5B):c.406-1G>A

Gene: KDM5B (lysine demethylase 5B; minus strand). Cytogenetic location: 1q32.1.
Variant type: single nucleotide variant.
Coding change: c.406-1G>A on transcript NM_006618.5 (MANE Select); the canonical splice acceptor site of the intron before coding-DNA position 406, G replaced by A.
Molecular consequence: splice acceptor variant.
Genome position (GRCh38, 1-based): chr1:202,773,289, C>T on the plus strand (G>A on the coding strand, the complement: KDM5B is on the minus strand). VCF-style: chr1-202773289-C-T. GRCh37 (hg19) VCF-style: chr1-202742417-C-T.
Other names: c.391-1G>A (NM_001399817.1); c.406-1G>A (NM_001347591.2, NM_001314042.2).
Identifiers: ClinVar variation 2244672 (VCV002244672.2), dbSNP rs2527628082, ClinGen allele CA344263625.